The following is an entry in ClinVar:

NM_000487.6(ARSA):c.982G>A (p.Val328Met)

Gene: ARSA (arylsulfatase A; minus strand). Cytogenetic location: 22q13.33.
Variant type: single nucleotide variant.
Coding change: c.982G>A on transcript NM_000487.6 (MANE Select); coding-DNA position 982, G replaced by A.
Protein change: p.Val328Met; replaces valine 328 with methionine.
Molecular consequence: missense variant.
Genome position (GRCh38, 1-based): chr22:50,626,061, C>T on the plus strand (G>A on the coding strand, the complement: ARSA is on the minus strand). VCF-style: chr22-50626061-C-T. GRCh37 (hg19) VCF-style: chr22-51064489-C-T.
Other names: c.982G>A, p.Val328Met (NM_001085425.3, NM_001085426.3, NM_001085427.3); c.724G>A, p.Val242Met (NM_001085428.3, NM_001362782.2); short protein forms V328M, V242M.
Identifiers: ClinVar variation 728267 (VCV000728267.20), dbSNP rs143994992, ClinGen allele CA10324846.

ClinVar aggregate classification (germline): Likely benign. Review status: criteria provided, multiple submitters, no conflicts (2 of 4 stars). 6 submissions from 6 submitters: Likely benign (2). 4 of the submissions do not count toward it. Last evaluated 2026-02-04.

Conditions:
ARSA-related disorder. Also called: ARSA-related condition.
Metachromatic leukodystrophy (MLD). Also called: Cerebral sclerosis diffuse metachromatic form; METACHROMATIC LEUKOENCEPHALOPATHY; SULFATIDE LIPIDOSIS; ARSA DEFICIENCY; CEREBROSIDE SULFATASE DEFICIENCY; Arylsulfatase A Deficiency. Identifiers: Orphanet 512, MedGen C0023522, MONDO:0018868, OMIM 250100.

Allele frequency attached by ClinVar (database versions not stated): gnomAD exomes 0.00012 and 0.00048; gnomAD 0.00022 and 0.00028; TOPMed 0.00025; ExAC 0.00086; 1000 Genomes Project 30x 0.00172; 1000 Genomes Project 0.00180.
gnomAD v4.1: 221 of 1,595,018 alleles (0.014%); highest among the groups gnomAD compares: East Asian, 0.35%; 1 homozygote.

Submissions (6):

Labcorp Genetics (formerly Invitae), Labcorp
Classification: Likely benign for Metachromatic leukodystrophy. Last evaluated: 2026-02-04. Review status: criteria provided, single submitter. Criteria: Invitae Variant Classification Sherloc (09022015). Collection method: clinical testing. Allele origin: germline.

Illumina Laboratory Services, Illumina
Classification: Likely benign for Metachromatic leukodystrophy. Last evaluated: 2018-01-12. Review status: criteria provided, single submitter. Criteria: ICSL Variant Classification Criteria 13 December 2019. Collection method: clinical testing. Allele origin: germline.
Comment: This variant was observed in the ICSL laboratory as part of a predisposition screen in an ostensibly healthy population. It had not been previously curated by ICSL or reported in the Human Gene Mutation Database (HGMD: prior to June 1st, 2018), and was therefore a candidate for classification through an automated scoring system. Utilizing variant allele frequency, disease prevalence and penetrance estimates, and inheritance mode, an automated score was calculated to assess if this variant is too frequent to cause the disease. Based on the score and internal cut-off values, a variant classified as likely benign is not then subjected to further curation. The score for this variant resulted in a classification of likely benign for this disease.

PreventionGenetics, part of Exact Sciences
Classification: Likely benign for ARSA-related condition. Last evaluated: 2020-03-27. Review status: no assertion criteria provided. Collection method: clinical testing. Allele origin: germline. Not counted in ClinVar's aggregate classification.
Comment: This variant is classified as likely benign based on ACMG/AMP sequence variant interpretation guidelines (Richards et al. 2015 PMID: 25741868, with internal and published modifications).

Natera, Inc.
Classification: Benign for Metachromatic leukodystrophy. Last evaluated: 2020-01-10. Review status: no assertion criteria provided. Collection method: clinical testing. Allele origin: germline. Not counted in ClinVar's aggregate classification.

Genome Diagnostics Laboratory, University Medical Center Utrecht
Classification: Uncertain significance. Review status: no assertion criteria provided. Collection method: clinical testing. Allele origin: germline. Affected: yes. Study: VKGL Data-share Consensus. Not counted in ClinVar's aggregate classification.

Joint Genome Diagnostic Labs from Nijmegen and Maastricht, Radboudumc and MUMC+
Classification: Uncertain significance. Review status: no assertion criteria provided. Collection method: clinical testing. Allele origin: germline. Affected: yes. Study: VKGL Data-share Consensus. Not counted in ClinVar's aggregate classification.